The following is an entry in ClinVar:

NM_000081.4(LYST):c.829C>G (p.His277Asp)

Gene: LYST (lysosomal trafficking regulator; minus strand). Cytogenetic location: 1q42.3.
Variant type: single nucleotide variant.
Coding change: c.829C>G on transcript NM_000081.4 (MANE Select); coding-DNA position 829, C replaced by G.
Protein change: p.His277Asp; replaces histidine 277 with aspartic acid.
Molecular consequence: missense variant.
Genome position (GRCh38, 1-based): chr1:235,809,989, G>C on the plus strand (C>G on the coding strand, the complement: LYST is on the minus strand). VCF-style: chr1-235809989-G-C. GRCh37 (hg19) VCF-style: chr1-235973289-G-C.
Other names: c.829C>G, p.His277Asp (NM_001301365.1); short protein forms H277D.
Identifiers: ClinVar variation 1932259 (VCV001932259.2), dbSNP rs576528902, ClinGen allele CA1467554.
Genomic context (GRCh38, chr1:235,809,989, plus strand): 5'-CAAAGCCTGCTAGGAATTCAGTTAGTGTGGGCACTACACTGGCTGCTAAAGGAGAATTAT[G>C]ATTCAAGGTAACGTCAAACTTACAAACTTTTTCTAATAAAGATAACAAAACATGACATAA-3'
Protein context (NP_000072.2, residues 267-287): KVCKFDVTLN[His277Asp]NSPLAASVVP

ClinVar aggregate classification (germline): Uncertain significance (1 of 4 stars; one submission).

Conditions:
Chédiak-Higashi syndrome (CHS). Also called: Chediak-Higashi Syndrome. Identifiers: Orphanet 167, MedGen C0007965, MONDO:0008963, OMIM 214500.

Allele frequency attached by ClinVar (database versions not stated): ExAC 0.00001; gnomAD 0.00001; 1000 Genomes Project 30x 0.00016; 1000 Genomes Project 0.00020.
gnomAD v4.1: 2 of 1,613,774 alleles (0.00012%); highest among the groups gnomAD compares: African/African-American, 0.0013%; no homozygotes.

Submission:

Labcorp Genetics (formerly Invitae), Labcorp
Classification: Uncertain significance for Chédiak-Higashi syndrome. Last evaluated: 2022-02-20. Review status: criteria provided, single submitter. Criteria: Invitae Variant Classification Sherloc (09022015). Collection method: clinical testing. Allele origin: germline.
Comment: This sequence change replaces histidine, which is basic and polar, with aspartic acid, which is acidic and polar, at codon 277 of the LYST protein (p.His277Asp). This variant is present in population databases (rs576528902, gnomAD 0.007%). This variant has not been reported in the literature in individuals affected with LYST-related conditions. Algorithms developed to predict the effect of missense changes on protein structure and function (SIFT, PolyPhen-2, Align-GVGD) all suggest that this variant is likely to be tolerated. In summary, the available evidence is currently insufficient to determine the role of this variant in disease. Therefore, it has been classified as a Variant of Uncertain Significance.